The following is an entry in ClinVar:

ClinVar aggregate classification (germline): Uncertain significance (1 of 4 stars; one submission).

Conditions:
Postaxial polydactyly-anterior pituitary anomalies-facial dysmorphism syndrome. Also called: Culler-Jones syndrome. Identifiers: Orphanet 420584, MedGen C4014479, MONDO:0014369, OMIM 615849.

Submission:

Shenzhen Institute of Pediatrics, Shenzhen Children's Hospital
Classification: Uncertain significance for Postaxial polydactyly-anterior pituitary anomalies-facial dysmorphism syndrome. Last evaluated: 2017-09-16. Review status: criteria provided, single submitter. Criteria: ACMG Guidelines, 2015. Collection method: clinical testing. Allele origin: unknown. Inheritance: Autosomal dominant inheritance. Affected: yes. Observed: 1 variant allele, 1 heterozygote.

NM_001374353.1(GLI2):c.1375G>C (p.Ala459Pro)

Gene: GLI2 (GLI family zinc finger 2; plus strand). Cytogenetic location: 2q14.2.
Variant type: single nucleotide variant.
Coding change: c.1375G>C on transcript NM_001374353.1 (MANE Select); coding-DNA position 1375, G replaced by C.
Protein change: p.Ala459Pro; replaces alanine 459 with proline.
Molecular consequence: missense variant.
Genome position (GRCh38, 1-based): chr2:120,978,491, G>C. VCF-style: chr2-120978491-G-C. GRCh37 (hg19) VCF-style: chr2-121736067-G-C.
Other names: c.1426G>C, p.Ala476Pro (NM_001371271.1, NM_005270.5); c.1000G>C, p.Ala334Pro (NM_001374354.1); short protein forms A476P, A459P, A334P.
Identifiers: ClinVar variation 443998 (VCV000443998.2), dbSNP rs772017351, ClinGen allele CA348161499.